The following is an entry in ClinVar:

NM_001457.4(FLNB):c.7664C>G (p.Pro2555Arg)

Genes: FLNB (filamin B; plus strand), FLNB-AS1 (FLNB antisense RNA 1; minus strand). Cytogenetic location: 3p14.3.
Variant type: single nucleotide variant.
Coding change: c.7664C>G on transcript NM_001457.4 (MANE Select); coding-DNA position 7664, C replaced by G.
Protein change: p.Pro2555Arg; replaces proline 2555 with arginine.
Molecular consequence: missense variant. On other transcripts: non-coding transcript variant (1).
Genome position (GRCh38, 1-based): chr3:58,170,617, C>G. VCF-style: chr3-58170617-C-G. GRCh37 (hg19) VCF-style: chr3-58156344-C-G.
Other names: c.7757C>G, p.Pro2586Arg (NM_001164317.2); c.7631C>G, p.Pro2544Arg (NM_001164318.2); c.7592C>G, p.Pro2531Arg (NM_001164319.2); short protein forms P2544R, P2531R, P2586R, P2555R.
Identifiers: ClinVar variation 2074843 (VCV002074843.4), dbSNP rs779527417, ClinGen allele CA2469760.

ClinVar aggregate classification (germline): Uncertain significance (1 of 4 stars; one submission).

Allele frequency attached by ClinVar (database versions not stated): TOPMed below 0.00001.
gnomAD v4.1: 3 of 1,614,170 alleles (0.00019%); highest among the groups gnomAD compares: East Asian, 0.0022%; no homozygotes.

Submission:

Labcorp Genetics (formerly Invitae), Labcorp
Classification: Uncertain significance. Last evaluated: 2025-12-03. Review status: criteria provided, single submitter. Criteria: Invitae Variant Classification Sherloc (09022015). Collection method: clinical testing. Allele origin: germline.
Comment: This sequence change replaces proline, which is neutral and non-polar, with arginine, which is basic and polar, at codon 2555 of the FLNB protein (p.Pro2555Arg). This variant is present in population databases (rs779527417, gnomAD 0.02%). This variant has not been reported in the literature in individuals affected with FLNB-related conditions. ClinVar contains an entry for this variant (Variation ID: 2074843). Invitae Evidence Modeling of protein sequence and biophysical properties (such as structural, functional, and spatial information, amino acid conservation, physicochemical variation, residue mobility, and thermodynamic stability) indicates that this missense variant is not expected to disrupt FLNB protein function with a negative predictive value of 95%. In summary, the available evidence is currently insufficient to determine the role of this variant in disease. Therefore, it has been classified as a Variant of Uncertain Significance.